The following is an entry in ClinVar:

ClinVar aggregate classification (germline): Likely benign (1 of 4 stars; one submission).

Allele frequency attached by ClinVar (database versions not stated): TOPMed 0.00005; gnomAD 0.00006; ExAC 0.00010; gnomAD exomes 0.00016.
gnomAD v4.1: 186 of 1,209,991 alleles (0.015%); highest among the groups gnomAD compares: East Asian, 0.27%; 1 homozygote.

Submission:

CeGaT Center for Human Genetics Tuebingen
Classification: Likely benign. Last evaluated: 2022-03-01. Review status: criteria provided, single submitter. Criteria: CeGaT Center For Human Genetics Tuebingen Variant Classification Criteria Version 2. Collection method: clinical testing. Allele origin: germline. Affected: yes. Observed: 1 variant allele.
Comment: PLAC1: BP4, BP7

NM_021796.4(PLAC1):c.207C>T (p.His69=)

Gene: PLAC1 (placenta associated 1; minus strand). Cytogenetic location: Xq26.3.
Variant type: single nucleotide variant.
Coding change: c.207C>T on transcript NM_021796.4 (MANE Select); coding-DNA position 207, C replaced by T.
Protein change: p.His69=; no amino-acid change (histidine 69 retained).
Molecular consequence: synonymous variant.
Genome position (GRCh38, 1-based): chrX:134,566,476, G>A on the plus strand (C>T on the coding strand, the complement: PLAC1 is on the minus strand). VCF-style: chrX-134566476-G-A. GRCh37 (hg19) VCF-style: chrX-133700506-G-A.
Other names: c.207C>T, p.His69= (NM_001316887.2, NM_001316888.2, NM_001316889.2).
Identifiers: ClinVar variation 2661477 (VCV002661477.24), dbSNP rs748886436, ClinGen allele CA10521672.
Genomic context (GRCh38, chrX:134,566,476, plus strand): 5'-CTGAGAGACAGCTTTGGCCCTGATGCCACATTCAGTAACACGGTAGGTGAACTGGTAGGC[G>A]TGTGGCTGAACATGGTTTGGGGGGCAACCCAGGCCCAAGTGTAGTTCATGAAAGTGTACA-3'
Protein context (NP_068568.1, residues 59-79): LGCPPNHVQP[His69=]AYQFTYRVTE